The following is an entry in ClinVar:

ClinVar aggregate classification (germline): Likely benign (1 of 4 stars; one submission).

gnomAD v4.1: 2,120 of 1,184,214 alleles (0.18%); highest among the groups gnomAD compares: Non-Finnish European, 0.21%; 2 homozygotes.

Submission:

CeGaT Center for Human Genetics Tuebingen
Classification: Likely benign. Last evaluated: 2025-12-01. Review status: criteria provided, single submitter. Criteria: CeGaT Center For Human Genetics Tuebingen Variant Classification Criteria Version 2. Collection method: clinical testing. Allele origin: germline. Affected: yes. Observed: 1 variant allele.
Comment: ATXN2: BS1

NM_001372574.1(ATXN2):c.-269C>T

Genes: ATXN2 (ataxin 2; minus strand), LOC130008792 (ATAC-STARR-seq lymphoblastoid silent region 4873; plus strand). Cytogenetic location: 12q24.12.
Variant type: single nucleotide variant.
Coding change: c.-269C>T on transcript NM_001372574.1 (MANE Select); 269 bases upstream of the start codon, C replaced by T.
Molecular consequence: 5 prime UTR variant. On other transcripts: non-coding transcript variant (1), intron variant (2).
Genome position (GRCh38, 1-based): chr12:111,599,303, G>A on the plus strand (C>T on the coding strand, the complement: ATXN2 is on the minus strand). VCF-style: chr12-111599303-G-A. GRCh37 (hg19) VCF-style: chr12-112037107-G-A.
Other names: c.-269C>T (NM_002973.4); c.-28+272C>T (NM_001310123.1); c.-65+272C>T (NM_001310121.1).
Identifiers: ClinVar variation 4681337 (VCV004681337.5).
Genomic context (GRCh38, chr12:111,599,303, plus strand): 5'-GAGCCGGGCCGAAACGCGCCGCCGCCGTTGCCGTTGCTACCAAAACAGTCTGAGGCGGAG[G>A]GAGGCGAGCTCTGCCGGGAGGGAGGGGGGCCGGGGCCGGGCGGGGGAGGGGCGGCGGAGG-3'